The following is an entry in ClinVar:

ClinVar aggregate classification (germline): Uncertain significance (1 of 4 stars; one submission).

Conditions:
Congenital myopathy with internal nuclei and atypical cores. Also called: Myopathy, centronuclear, 4. Identifiers: Orphanet 319160, MedGen C4707232, MONDO:0013890, OMIM 614807.

Submission:

Labcorp Genetics (formerly Invitae), Labcorp
Classification: Uncertain significance for Congenital myopathy with internal nuclei and atypical cores. Last evaluated: 2021-07-13. Review status: criteria provided, single submitter. Criteria: Invitae Variant Classification Sherloc (09022015). Collection method: clinical testing. Allele origin: germline.
Comment: In summary, the available evidence is currently insufficient to determine the role of this variant in disease. Therefore, it has been classified as a Variant of Uncertain Significance. Algorithms developed to predict the effect of missense changes on protein structure and function output the following: SIFT: "Tolerated"; PolyPhen-2: "Benign"; Align-GVGD: "Class C0". The glutamine amino acid residue is found in multiple mammalian species, which suggests that this missense change does not adversely affect protein function. This variant has not been reported in the literature in individuals affected with CCDC78-related conditions. This variant is not present in population databases (ExAC no frequency). This sequence change replaces histidine with glutamine at codon 257 of the CCDC78 protein (p.His257Gln). The histidine residue is weakly conserved and there is a small physicochemical difference between histidine and glutamine.

NM_001378030.1(CCDC78):c.771C>G (p.His257Gln)

Gene: CCDC78 (coiled-coil domain containing 78; minus strand). Cytogenetic location: 16p13.3.
Variant type: single nucleotide variant.
Coding change: c.771C>G on transcript NM_001378030.1 (MANE Select); coding-DNA position 771, C replaced by G.
Protein change: p.His257Gln; replaces histidine 257 with glutamine.
Molecular consequence: missense variant. On other transcripts: non-coding transcript variant (5).
Genome position (GRCh38, 1-based): chr16:724,504, G>C on the plus strand (C>G on the coding strand, the complement: CCDC78 is on the minus strand). VCF-style: chr16-724504-G-C. GRCh37 (hg19) VCF-style: chr16-774504-G-C.
Other names: c.771C>G, p.His257Gln (NM_001031737.3, NM_001378031.1); c.204C>G, p.His68Gln (NM_001378033.1); short protein forms H257Q, H68Q.
Identifiers: ClinVar variation 1384978 (VCV001384978.8), dbSNP rs747763912, ClinGen allele CA394100873.